The following is an entry in ClinVar:

NM_152468.5(TMC8):c.1765C>T (p.Arg589Cys)

Gene: TMC8 (transmembrane channel like 8; plus strand). Cytogenetic location: 17q25.3.
Variant type: single nucleotide variant.
Coding change: c.1765C>T on transcript NM_152468.5 (MANE Select); coding-DNA position 1765, C replaced by T.
Protein change: p.Arg589Cys; replaces arginine 589 with cysteine.
Molecular consequence: missense variant.
Genome position (GRCh38, 1-based): chr17:78,138,674, C>T. VCF-style: chr17-78138674-C-T. GRCh37 (hg19) VCF-style: chr17-76134755-C-T.
Other names: c.1765C>T (NM_152468.4); short protein forms R589C.
Identifiers: ClinVar variation 1432844 (VCV001432844.7), dbSNP rs779822152, ClinGen allele CA8796975.
Genomic context (GRCh38, chr17:78,138,674, plus strand): 5'-TCAGCACCCTGGCAAGTGGTCCCGGAGCTGGTGGCCCTTGGGCTCCCGCCCATTGGCCAG[C>T]GTGCCCTCCACTACCTGGGCTCCCACGCCTTCAGCTTCCCCCTCCTCATCATGCTCAGGT-3'
Protein context (NP_689681.2, residues 579-599): VALGLPPIGQ[Arg589Cys]ALHYLGSHAF

ClinVar aggregate classification (germline): Uncertain significance. Review status: criteria provided, multiple submitters, no conflicts (2 of 4 stars). 2 submissions from 2 submitters: Uncertain significance (2). Last evaluated 2023-08-04.

Conditions:
Epidermodysplasia verruciformis. Identifiers: Orphanet 302, MedGen C0014522, MONDO:0009176.
Inborn genetic diseases. Identifiers: MedGen C0950123, MeSH D030342.

Allele frequency attached by ClinVar (database versions not stated): gnomAD 0.00001 and 0.00002; gnomAD exomes 0.00002; TOPMed 0.00002; ExAC 0.00003.
gnomAD v4.1: 31 of 1,613,316 alleles (0.0019%); highest among the groups gnomAD compares: Middle Eastern, 0.016%; no homozygotes.

Submissions (2):

Labcorp Genetics (formerly Invitae), Labcorp
Classification: Uncertain significance for Epidermodysplasia verruciformis. Last evaluated: 2023-08-04. Review status: criteria provided, single submitter. Criteria: Invitae Variant Classification Sherloc (09022015). Collection method: clinical testing. Allele origin: germline.
Comment: This variant is present in population databases (rs779822152, gnomAD 0.006%). This sequence change replaces arginine, which is basic and polar, with cysteine, which is neutral and slightly polar, at codon 589 of the TMC8 protein (p.Arg589Cys). This variant has not been reported in the literature in individuals affected with TMC8-related conditions. ClinVar contains an entry for this variant (Variation ID: 1432844). Advanced modeling of protein sequence and biophysical properties (such as structural, functional, and spatial information, amino acid conservation, physicochemical variation, residue mobility, and thermodynamic stability) performed at Invitae indicates that this missense variant is not expected to disrupt TMC8 protein function. In summary, the available evidence is currently insufficient to determine the role of this variant in disease. Therefore, it has been classified as a Variant of Uncertain Significance.

Ambry Genetics
Classification: Uncertain significance for Inborn genetic diseases. Last evaluated: 2021-09-27. Review status: criteria provided, single submitter. Criteria: Ambry Variant Classification Scheme 2023. Collection method: clinical testing. Allele origin: germline.